The following is an entry in ClinVar:

NM_022047.4(DEF6):c.1823A>G (p.Asn608Ser)

Gene: DEF6 (DEF6 guanine nucleotide exchange factor; plus strand). Cytogenetic location: 6p21.31.
Variant type: single nucleotide variant.
Coding change: c.1823A>G on transcript NM_022047.4 (MANE Select); coding-DNA position 1823, A replaced by G.
Protein change: p.Asn608Ser; replaces asparagine 608 with serine.
Molecular consequence: missense variant.
Genome position (GRCh38, 1-based): chr6:35,321,337, A>G. VCF-style: chr6-35321337-A-G. GRCh37 (hg19) VCF-style: chr6-35289114-A-G.
Other names: short protein forms N608S.
Identifiers: ClinVar variation 1479092 (VCV001479092.8), dbSNP rs756795040, ClinGen allele CA3771023.

ClinVar aggregate classification (germline): Uncertain significance (1 of 4 stars; one submission).

Allele frequency attached by ClinVar (database versions not stated): gnomAD exomes below 0.00001 and 0.00002; ExAC 0.00001; TOPMed 0.00002.
gnomAD v4.1: 7 of 1,614,104 alleles (0.00043%); highest among the groups gnomAD compares: African/African-American, 0.0013%; no homozygotes.

Submission:

Labcorp Genetics (formerly Invitae), Labcorp
Classification: Uncertain significance. Last evaluated: 2021-05-28. Review status: criteria provided, single submitter. Criteria: Invitae Variant Classification Sherloc (09022015). Collection method: clinical testing. Allele origin: germline.
Comment: In summary, the available evidence is currently insufficient to determine the role of this variant in disease. Therefore, it has been classified as a Variant of Uncertain Significance. Algorithms developed to predict the effect of missense changes on protein structure and function are either unavailable or do not agree on the potential impact of this missense change (SIFT: "Deleterious"; PolyPhen-2: "Benign"; Align-GVGD: "Class C0"). This variant has not been reported in the literature in individuals with DEF6-related conditions. This variant is present in population databases (rs756795040, ExAC 0.002%). This sequence change replaces asparagine with serine at codon 608 of the DEF6 protein (p.Asn608Ser). The asparagine residue is moderately conserved and there is a small physicochemical difference between asparagine and serine.